The following is an entry in ClinVar:

ClinVar aggregate classification (germline): Uncertain significance (1 of 4 stars; one submission).

Conditions:
Cardiovascular phenotype. Identifiers: MedGen CN230736.

Submission:

Ambry Genetics
Classification: Uncertain significance for Cardiovascular phenotype. Last evaluated: 2025-09-25. Review status: criteria provided, single submitter. Criteria: Ambry Variant Classification Scheme 2023. Collection method: clinical testing. Allele origin: germline.
Comment: The p.S2984F variant (also known as c.8951C>T), located in coding exon 2 of the ZNF469 gene, results from a C to T substitution at nucleotide position 8951. The serine at codon 2984 is replaced by phenylalanine, an amino acid with highly dissimilar properties. This amino acid position is conserved. In addition, this alteration is predicted to be tolerated by in silico analysis. Based on the available evidence, the clinical significance of this variant remains unclear.

NM_001127464.1:c.8951C>T

Gene: ZNF469 (zinc finger protein 469; plus strand).
Variant type: single nucleotide variant.
Identifiers: ClinVar variation 4615424 (VCV004615424.1).